The following is an entry in ClinVar:

NM_199355.4(ADAMTS18):c.1939A>G (p.Ser647Gly)

Gene: ADAMTS18 (ADAM metallopeptidase with thrombospondin type 1 motif 18; minus strand). Cytogenetic location: 16q23.1.
Variant type: single nucleotide variant.
Coding change: c.1939A>G on transcript NM_199355.4 (MANE Select); coding-DNA position 1939, A replaced by G.
Protein change: p.Ser647Gly; replaces serine 647 with glycine.
Molecular consequence: missense variant.
Genome position (GRCh38, 1-based): chr16:77,325,959, T>C on the plus strand (A>G on the coding strand, the complement: ADAMTS18 is on the minus strand). VCF-style: chr16-77325959-T-C. GRCh37 (hg19) VCF-style: chr16-77359856-T-C.
Other names: c.1423A>G, p.Ser475Gly (NM_001326358.2); short protein forms S475G, S647G.
Identifiers: ClinVar variation 1999948 (VCV001999948.4), dbSNP rs2056088082, ClinGen allele CA396829338.
Genomic context (GRCh38, chr16:77,325,959, plus strand): 5'-ACCATCCACGGAAAGGTTTGCTGTTATATTCTGCACACTGTTGAGCCCGAAAATCCAAGC[T>C]ATTTTCATTGCAAGGGTTAATATTGCACAGCTGATAAATACGGCTAGAACCTGGACAGAA-3'
Protein context (NP_955387.1, residues 637-657): LCNINPCNEN[Ser647Gly]LDFRAQQCAE

ClinVar aggregate classification (germline): Uncertain significance (1 of 4 stars; one submission).

Submission:

Labcorp Genetics (formerly Invitae), Labcorp
Classification: Uncertain significance. Last evaluated: 2022-05-28. Review status: criteria provided, single submitter. Criteria: Invitae Variant Classification Sherloc (09022015). Collection method: clinical testing. Allele origin: germline.
Comment: This sequence change replaces serine, which is neutral and polar, with glycine, which is neutral and non-polar, at codon 647 of the ADAMTS18 protein (p.Ser647Gly). This variant is not present in population databases (gnomAD no frequency). This variant has not been reported in the literature in individuals affected with ADAMTS18-related conditions. Algorithms developed to predict the effect of missense changes on protein structure and function are either unavailable or do not agree on the potential impact of this missense change (SIFT: "Not Available"; PolyPhen-2: "Benign"; Align-GVGD: "Not Available"). In summary, the available evidence is currently insufficient to determine the role of this variant in disease. Therefore, it has been classified as a Variant of Uncertain Significance.